The following is an entry in ClinVar:

NM_000075.4(CDK4):c.834del (p.Phe278fs)

Genes: CDK4 (cyclin dependent kinase 4; minus strand), TSPAN31 (tetraspanin 31; plus strand). Cytogenetic location: 12q14.1.
Variant type: Deletion.
Coding change: c.834del on transcript NM_000075.4 (MANE Select); coding-DNA position 834, one base deleted (T; older notation c.834delT).
Protein change: p.Phe278fs; shifts the reading frame from phenylalanine 278.
Molecular consequence: frameshift variant. On other transcripts: 3 prime UTR variant (3).
Genome position (GRCh38, 1-based): chr12:57,748,603, A deleted on the plus strand (T on the coding strand, the reverse complement: CDK4 is on the minus strand); the first of 4 consecutive A bases (chr12:57,748,603-57,748,606); deleting any one gives the same sequence. VCF-style (leftmost placement, unchanged base first): chr12-57748602-TA-T. GRCh37 (hg19) VCF-style: chr12-58142385-TA-T.
Other names: c.*1316del (NM_001330168.2, NM_001330169.2, NM_005981.5); short protein forms F278fs.
Identifiers: ClinVar variation 1763037 (VCV001763037.3), dbSNP rs1955188005, ClinGen allele CA2038991050.

ClinVar aggregate classification (germline): Uncertain significance (1 of 4 stars; one submission).

Conditions:
Hereditary cancer-predisposing syndrome. Also called: Hereditary Cancer Syndrome; Hereditary neoplastic syndrome; Neoplastic Syndromes, Hereditary; Tumor predisposition. Identifiers: Orphanet 140162, MedGen C0027672, MeSH D009386, MONDO:0015356.

Submission:

Ambry Genetics
Classification: Uncertain significance for Hereditary cancer-predisposing syndrome. Last evaluated: 2026-07-31. Review status: criteria provided, single submitter. Criteria: Ambry Variant Classification Scheme 2023. Collection method: clinical testing. Allele origin: germline.
Comment: The c.834delT variant, located in coding exon 7 of the CDK4 gene, results from a deletion of one nucleotide at nucleotide position 834, causing a translational frameshift with a predicted alternate stop codon (p.F278Lfs*46). This variant occurs at the 3' terminus of the gene and is not expected to trigger nonsense-mediated mRNA decay. Based on the available evidence, the clinical significance of this variant remains unclear.